The following is an entry in ClinVar:

NM_001372044.2(SHANK3):c.4311_4312del (p.Arg1438fs)

Gene: SHANK3 (SH3 and multiple ankyrin repeat domains 3; plus strand). Cytogenetic location: 22q13.33.
Variant type: Microsatellite.
Coding change: c.4311_4312del on transcript NM_001372044.2 (MANE Select); coding-DNA positions 4311 to 4312, 2 bases deleted (AC; older notation c.4311_4312delAC).
Protein change: p.Arg1438fs; shifts the reading frame from arginine 1438.
Molecular consequence: frameshift variant.
Genome position (GRCh38, 1-based): chr22:50,721,919-50,721,920, AC deleted; deleting any 2 consecutive bases within chr22:50,721,915-50,721,920 gives the same sequence; the c. name uses the placement nearest the transcript's 3' end. VCF-style (leftmost placement, unchanged base first): chr22-50721914-GAC-G. GRCh37 (hg19) VCF-style: chr22-51160342-GAC-G.
Other names: c.4086_4087del (NM_033517.1); c.4086_4087delAC (NM_033517.1); short protein forms R1438fs.
Identifiers: ClinVar variation 817055 (VCV000817055.5), dbSNP rs1603447144, ClinGen allele CA915951512.

ClinVar aggregate classification (germline): Pathogenic/Likely pathogenic. Review status: criteria provided, multiple submitters, no conflicts (2 of 4 stars). 2 submissions from 2 submitters: Pathogenic (1); Likely pathogenic (1). Last evaluated 2023-11-16.

Conditions:
Phelan-McDermid syndrome. Also called: TELOMERIC 22q13 MONOSOMY SYNDROME; 22q13.3 deletion syndrome; Phelan-McDermid Syndrome-SHANK3 Related. Identifiers: Orphanet 48652, MedGen C1853490, MONDO:0011652, OMIM 606232.

Submissions (2):

Revvity Omics, Revvity
Classification: Likely pathogenic for Phelan-McDermid syndrome. Last evaluated: 2023-11-16. Review status: criteria provided, single submitter. Criteria: ACMG Guidelines, 2015. Collection method: clinical testing. Allele origin: germline.

GeneDx
Classification: Pathogenic. Last evaluated: 2021-12-06. Review status: criteria provided, single submitter. Criteria: GeneDx Variant Classification Process June 2021. Collection method: clinical testing. Allele origin: germline. Affected: yes.
Comment: Reported in a patient with Phelan-McDermid syndrome in published literature (Kohlenberg et al., 2020); Frameshift variant predicted to result in protein truncation or nonsense mediated decay in a gene for which loss-of-function is a known mechanism of disease; Not observed in large population cohorts (Lek et al., 2016); This variant is associated with the following publications: (PMID: 32050889)